The following is an entry in ClinVar:

NM_000392.5(ABCC2):c.4147-2A>G

Gene: ABCC2 (ATP binding cassette subfamily C member 2; plus strand). Cytogenetic location: 10q24.2.
Variant type: single nucleotide variant.
Coding change: c.4147-2A>G on transcript NM_000392.5 (MANE Select); the canonical splice acceptor site of the intron before coding-DNA position 4147, A replaced by G.
Molecular consequence: splice acceptor variant.
Genome position (GRCh38, 1-based): chr10:99,846,959, A>G. VCF-style: chr10-99846959-A-G. GRCh37 (hg19) VCF-style: chr10-101606716-A-G.
Other names: c.4147-2A>G (NM_000392.4).
Identifiers: ClinVar variation 3015333 (VCV003015333.4), dbSNP rs1275011230, ClinGen allele CA378128866.

ClinVar aggregate classification (germline): Likely pathogenic. Review status: criteria provided, multiple submitters, no conflicts (2 of 4 stars). 2 submissions from 2 submitters: Likely pathogenic (2). Last evaluated 2025-04-10.

Conditions:
ABCC2-related disorder. Also called: ABCC2-related condition.

Allele frequency attached by ClinVar (database versions not stated): gnomAD exomes below 0.00001; gnomAD 0.00001; TOPMed 0.00001.
gnomAD v4.1: 4 of 1,614,122 alleles (0.00025%); highest among the groups gnomAD compares: African/African-American, 0.0013%; no homozygotes.

Submissions (2):

PreventionGenetics, part of Exact Sciences
Classification: Likely pathogenic for ABCC2-related condition. Last evaluated: 2025-04-10. Review status: criteria provided, single submitter. Criteria: ACMG Guidelines, 2015. Collection method: clinical testing. Allele origin: germline.
Comment: The ABCC2 c.4147-2A>G variant is predicted to disrupt the AG splice acceptor site and interfere with normal splicing. To our knowledge, this variant has not been reported in the literature. This variant is reported in 0.0062% of alleles in individuals of African descent in gnomAD. Variants that disrupt the consensus splice acceptor site in ABCC2 are expected to be pathogenic. This variant is interpreted as likely pathogenic.

Labcorp Genetics (formerly Invitae), Labcorp
Classification: Likely pathogenic. Last evaluated: 2023-08-25. Review status: criteria provided, single submitter. Criteria: Invitae Variant Classification Sherloc (09022015). Collection method: clinical testing. Allele origin: germline.
Comment: This sequence change affects an acceptor splice site in intron 29 of the ABCC2 gene. It is expected to disrupt RNA splicing. Variants that disrupt the donor or acceptor splice site typically lead to a loss of protein function (PMID: 16199547), and loss-of-function variants in ABCC2 are known to be pathogenic (PMID: 9185779, 16549534, 16952291). This variant is present in population databases (no rsID available, gnomAD 0.007%). This variant has not been reported in the literature in individuals affected with ABCC2-related conditions. Algorithms developed to predict the effect of sequence changes on RNA splicing suggest that this variant may disrupt the consensus splice site. In summary, the currently available evidence indicates that the variant is pathogenic, but additional data are needed to prove that conclusively. Therefore, this variant has been classified as Likely Pathogenic.

Literature cited by the submitters: PubMed 16199547 (cited by Labcorp Genetics (formerly Invitae), Labcorp); PubMed 9185779 (cited by Labcorp Genetics (formerly Invitae), Labcorp); PubMed 16549534 (cited by Labcorp Genetics (formerly Invitae), Labcorp); PubMed 16952291 (cited by Labcorp Genetics (formerly Invitae), Labcorp).